The following is an entry in ClinVar:

NM_001171613.2(PREPL):c.634del (p.Tyr212fs)

Gene: PREPL (prolyl endopeptidase like; minus strand). Cytogenetic location: 2p21.
Variant type: Deletion.
Coding change: c.634del on transcript NM_001171613.2 (MANE Select); coding-DNA position 634, one base deleted (T; older notation c.634delT).
Protein change: p.Tyr212fs; shifts the reading frame from tyrosine 212.
Molecular consequence: frameshift variant.
Genome position (GRCh38, 1-based): chr2:44,339,215, A deleted on the plus strand (T on the coding strand, the reverse complement: PREPL is on the minus strand); the first of 3 consecutive A bases (chr2:44,339,215-44,339,217); deleting any one gives the same sequence. VCF-style (leftmost placement, unchanged base first): chr2-44339214-TA-T. GRCh37 (hg19) VCF-style: chr2-44566353-TA-T.
Other names: c.901del, p.Tyr301fs (NM_001042385.2, NM_001042386.2, NM_001171603.1 and 4 more transcripts); c.634del, p.Tyr212fs (NM_001171617.1, NM_001374277.1); short protein forms Y212fs, Y301fs.
Identifiers: ClinVar variation 1452633 (VCV001452633.6), dbSNP rs2103925424, ClinGen allele CA2573134819.

ClinVar aggregate classification (germline): Pathogenic (1 of 4 stars; one submission).

Conditions:
Myasthenic syndrome, congenital, 22 (CMS22). Also called: PREPL DEFICIENCY. Identifiers: MedGen C4479088, MONDO:0044299, OMIM 616224.

Submission:

Labcorp Genetics (formerly Invitae), Labcorp
Classification: Pathogenic for Myasthenic syndrome, congenital, 22. Last evaluated: 2022-02-03. Review status: criteria provided, single submitter. Criteria: Invitae Variant Classification Sherloc (09022015). Collection method: clinical testing. Allele origin: germline.
Comment: This sequence change creates a premature translational stop signal (p.Tyr301Thrfs*24) in the PREPL gene. It is expected to result in an absent or disrupted protein product. Loss-of-function variants in PREPL are known to be pathogenic (PMID: 24610330, 28726805, 29913539). For these reasons, this variant has been classified as Pathogenic. This variant has not been reported in the literature in individuals affected with PREPL-related conditions. This variant is not present in population databases (gnomAD no frequency).

Literature cited by the submitters: PubMed 24610330; PubMed 28726805; PubMed 29913539.